The following is an entry in ClinVar:

NM_004336.5(BUB1):c.2081G>T (p.Gly694Val)

Gene: BUB1 (BUB1 mitotic checkpoint serine/threonine kinase; minus strand). Cytogenetic location: 2q13.
Variant type: single nucleotide variant.
Coding change: c.2081G>T on transcript NM_004336.5 (MANE Select); coding-DNA position 2081, G replaced by T.
Protein change: p.Gly694Val; replaces glycine 694 with valine.
Molecular consequence: missense variant.
Genome position (GRCh38, 1-based): chr2:110,650,668, C>A on the plus strand (G>T on the coding strand, the complement: BUB1 is on the minus strand). VCF-style: chr2-110650668-C-A. GRCh37 (hg19) VCF-style: chr2-111408245-C-A.
Other names: c.2021G>T, p.Gly674Val (NM_001278616.2); c.2081G>T, p.Gly694Val (NM_001278617.2); short protein forms G674V, G694V.
Identifiers: ClinVar variation 1785573 (VCV001785573.2), dbSNP rs997357080, ClinGen allele CA348209936.

ClinVar aggregate classification (germline): Uncertain significance (1 of 4 stars; one submission).

Allele frequency attached by ClinVar (database versions not stated): gnomAD exomes below 0.00001.

Submission:

Ambry Genetics
Classification: Uncertain significance. Last evaluated: 2021-08-29. Review status: criteria provided, single submitter. Criteria: Ambry Variant Classification Scheme 2023. Collection method: clinical testing. Allele origin: germline.
Comment: The p.G694V variant (also known as c.2081G>T), located in coding exon 18 of the BUB1 gene, results from a G to T substitution at nucleotide position 2081. The glycine at codon 694 is replaced by valine, an amino acid with dissimilar properties. This amino acid position is conserved. In addition, this alteration is predicted to be tolerated by in silico analysis. Since supporting evidence is limited at this time, the clinical significance of this alteration remains unclear.